The following is an entry in ClinVar:

ClinVar aggregate classification (germline): Uncertain significance. Review status: criteria provided, multiple submitters, no conflicts (2 of 4 stars). 2 submissions from 2 submitters: Uncertain significance (2). Last evaluated 2026-01-12.

Conditions:
Cardiovascular phenotype. Identifiers: MedGen CN230736.
Long QT syndrome (LQTS). Identifiers: MedGen C0023976, MeSH D008133, MONDO:0002442. Disease mechanism: loss of function. Inheritance: Various modes of inheritance.

Allele frequency attached by ClinVar (database versions not stated): gnomAD exomes below 0.00001 and 0.00001; ExAC 0.00001; gnomAD 0.00003.
gnomAD v4.1: 7 of 1,613,786 alleles (0.00043%); highest among the groups gnomAD compares: African/African-American, 0.0093%; no homozygotes.

Submissions (2):

Labcorp Genetics (formerly Invitae), Labcorp
Classification: Uncertain significance for Long QT syndrome. Last evaluated: 2026-01-12. Review status: criteria provided, single submitter. Criteria: Invitae Variant Classification Sherloc (09022015). Collection method: clinical testing. Allele origin: germline.
Comment: This sequence change falls in intron 35 of the AKAP9 gene. It does not directly change the encoded amino acid sequence of the AKAP9 protein. It affects a nucleotide within the consensus splice site. This variant is present in population databases (rs746505983, gnomAD 0.02%). This variant has not been reported in the literature in individuals affected with AKAP9-related conditions. ClinVar contains an entry for this variant (Variation ID: 1407407). Variants that disrupt the consensus splice site are a relatively common cause of aberrant splicing (PMID: 17576681, 9536098). Algorithms developed to predict the effect of sequence changes on RNA splicing suggest that this variant is not likely to affect RNA splicing. In summary, the available evidence is currently insufficient to determine the role of this variant in disease. Therefore, it has been classified as a Variant of Uncertain Significance.

Ambry Genetics
Classification: Uncertain significance for Cardiovascular phenotype. Last evaluated: 2025-03-14. Review status: criteria provided, single submitter. Criteria: Ambry Variant Classification Scheme 2023. Collection method: clinical testing. Allele origin: germline.
Comment: The c.8833-3C>T intronic variant results from a C to T substitution 3 nucleotides upstream from coding exon 36 in the AKAP9 gene. This nucleotide position is poorly conserved in available vertebrate species. In silico splice site analysis predicts that this alteration will not have any significant effect on splicing. The evidence for this gene-disease relationship is limited; therefore, the clinical significance of this alteration is unclear.

Literature cited by the submitters: PubMed 17576681 (cited by Labcorp Genetics (formerly Invitae), Labcorp); PubMed 9536098 (cited by Labcorp Genetics (formerly Invitae), Labcorp).

NM_005751.5(AKAP9):c.8833-3C>T

Gene: AKAP9 (A-kinase anchoring protein 9; plus strand). Cytogenetic location: 7q21.2.
Variant type: single nucleotide variant.
Coding change: c.8833-3C>T on transcript NM_005751.5 (MANE Select); 3 bases into the intron before coding-DNA position 8833, C replaced by T.
Molecular consequence: intron variant.
Genome position (GRCh38, 1-based): chr7:92,085,492, C>T. VCF-style: chr7-92085492-C-T. GRCh37 (hg19) VCF-style: chr7-91714806-C-T.
Other names: c.8809-3C>T (NM_147185.3); c.3478-3C>T (NM_001379277.1); c.8833-3C>T (NM_005751.4).
Identifiers: ClinVar variation 1407407 (VCV001407407.8), dbSNP rs746505983, ClinGen allele CA4337606.